The following is an entry in ClinVar:

ClinVar aggregate classification (germline): Conflicting classifications of pathogenicity. Review status: criteria provided, conflicting classifications (1 of 4 stars). 8 submissions from 8 submitters: Uncertain significance (1); Benign (2); Likely benign (5). Last evaluated 2026-01-31.

Conditions:
TSC2-related disorder. Also called: TSC2-Related Disorders; TSC2-related condition.
Hereditary cancer-predisposing syndrome. Also called: Hereditary Cancer Syndrome; Tumor predisposition; Hereditary neoplastic syndrome; Neoplastic Syndromes, Hereditary. Identifiers: Orphanet 140162, MedGen C0027672, MeSH D009386, MONDO:0015356.
Tuberous sclerosis syndrome (TSC). Also called: Tuberous sclerosis; Tuberous Sclerosis Complex. Identifiers: Orphanet 805, MedGen C0041341, MONDO:0001734.
Tuberous sclerosis 2 (TSC2). Identifiers: Orphanet 805, MedGen C1860707, MONDO:0013199, OMIM 613254.

Allele frequency attached by ClinVar (database versions not stated): gnomAD 0.00001 and 0.00002; gnomAD exomes 0.00001; TOPMed 0.00001.

Submissions (8):

Labcorp Genetics (formerly Invitae), Labcorp
Classification: Likely benign for Tuberous sclerosis 2. Last evaluated: 2026-01-31. Review status: criteria provided, single submitter. Criteria: Invitae Variant Classification Sherloc (09022015). Collection method: clinical testing. Allele origin: germline.

PreventionGenetics, part of Exact Sciences
Classification: Likely benign for TSC2-related condition. Last evaluated: 2025-06-25. Review status: criteria provided, single submitter. Criteria: ACMG Guidelines, 2015. Collection method: clinical testing. Allele origin: germline.
Comment: This variant is classified as likely benign based on ACMG/AMP sequence variant interpretation guidelines (Richards et al. 2015 PMID: 25741868, with internal and published modifications).

Myriad Genetics, Inc.
Classification: Benign for Tuberous sclerosis 2. Last evaluated: 2025-05-21. Review status: criteria provided, single submitter. Criteria: Myriad Autosomal Dominant, Autosomal Recessive and X-Linked Classification Criteria (2023). Collection method: clinical testing. Allele origin: unknown.
Comment: This variant is considered benign. This variant is a silent/synonymous amino acid change and it is not expected to impact splicing.

Color Diagnostics, LLC DBA Color Health
Classification: Uncertain significance for Tuberous sclerosis syndrome. Last evaluated: 2024-02-14. Review status: criteria provided, single submitter. Criteria: ACMG Guidelines, 2015. Collection method: clinical testing. Allele origin: germline.
Comment: This variant is a synonymous variant located in exon 24 of the TSC2 protein. Splice site prediction tools suggest that this variant may impact RNA splicing. To our knowledge, RNA studies have not been reported for this variant. This variant has not been reported in individuals affected with TSC2-related disorders in the literature. This variant has been identified in 2/250884 chromosomes in the general population by the Genome Aggregation Database (gnomAD). The available evidence is insufficient to determine the role of this variant in disease conclusively. Therefore, this variant is classified as a Variant of Uncertain Significance.

Blueprint Genetics
Classification: Likely benign. Last evaluated: 2024-01-11. Review status: criteria provided, single submitter. Criteria: ACMG Guidelines, 2015. Collection method: clinical testing. Allele origin: germline.

Sema4
Classification: Likely benign for Hereditary cancer-predisposing syndrome. Last evaluated: 2021-12-01. Review status: criteria provided, single submitter. Criteria: Sema4 Curation Guidelines. Collection method: curation. Allele origin: germline.

Genome-Nilou Lab
Classification: Benign for Tuberous sclerosis 2. Last evaluated: 2021-11-07. Review status: criteria provided, single submitter. Criteria: ACMG Guidelines, 2015. Collection method: clinical testing. Allele origin: germline. Affected: no.

Ambry Genetics
Classification: Likely benign for Hereditary cancer-predisposing syndrome. Last evaluated: 2017-11-24. Review status: criteria provided, single submitter. Criteria: Ambry Variant Classification Scheme 2023. Collection method: clinical testing. Allele origin: germline.

NM_000548.5(TSC2):c.2655C>T (p.Ile885=)

Gene: TSC2 (TSC complex subunit 2; plus strand). Cytogenetic location: 16p13.3.
Variant type: single nucleotide variant.
Coding change: c.2655C>T on transcript NM_000548.5 (MANE Select); coding-DNA position 2655, C replaced by T.
Protein change: p.Ile885=; no amino-acid change (isoleucine 885 retained).
Molecular consequence: synonymous variant.
Genome position (GRCh38, 1-based): chr16:2,076,083, C>T. VCF-style: chr16-2076083-C-T. GRCh37 (hg19) VCF-style: chr16-2126084-C-T.
Other names: c.2655C>T, p.Ile885= (NM_001077183.3, NM_001114382.3, NM_001363528.2 and 3 more transcripts); c.2544C>T, p.Ile848= (NM_001318827.2); c.2508C>T, p.Ile836= (NM_001318829.2); c.2055C>T, p.Ile685= (NM_001318831.2); c.2688C>T, p.Ile896= (NM_001318832.2); c.2655C>T (NM_000548.4).
Identifiers: ClinVar variation 413734 (VCV000413734.22), dbSNP rs1060504116, ClinGen allele CA16614743.
Genomic context (GRCh38, chr16:2,076,083, plus strand): 5'-TTTCCCTGCTGCCAGGATGGAGTGCCAGCCCCCTTCTCATCTCAGGTTTAATCAGTACAT[C>T]GTGTGTCTGGCCCATCACGTCATAGCCATGTGGTTCATCAGGTGCCGCCTGCCCTTCCGG-3'
Protein context (NP_000539.2, residues 875-895): YTNPSKFNQY[Ile885=]VCLAHHVIAM